The following is an entry in ClinVar:

ClinVar aggregate classification (germline): Uncertain significance (1 of 4 stars; one submission).

Conditions:
Lethal multiple pterygium syndrome (LMPS). Identifiers: Orphanet 33108, MedGen C1854678, MONDO:0009668, OMIM 253290.

Submission:

Labcorp Genetics (formerly Invitae), Labcorp
Classification: Uncertain significance for Lethal multiple pterygium syndrome. Last evaluated: 2023-07-17. Review status: criteria provided, single submitter. Criteria: Invitae Variant Classification Sherloc (09022015). Collection method: clinical testing. Allele origin: germline.
Comment: This sequence change replaces glutamic acid, which is acidic and polar, with aspartic acid, which is acidic and polar, at codon 50 of the CHRNA1 protein (p.Glu50Asp). This variant is not present in population databases (gnomAD no frequency). This variant has not been reported in the literature in individuals affected with CHRNA1-related conditions. ClinVar contains an entry for this variant (Variation ID: 1716427). Advanced modeling of protein sequence and biophysical properties (such as structural, functional, and spatial information, amino acid conservation, physicochemical variation, residue mobility, and thermodynamic stability) performed at Invitae indicates that this missense variant is not expected to disrupt CHRNA1 protein function. In summary, the available evidence is currently insufficient to determine the role of this variant in disease. Therefore, it has been classified as a Variant of Uncertain Significance.

NM_000079.4(CHRNA1):c.150G>T (p.Glu50Asp)

Gene: CHRNA1 (cholinergic receptor nicotinic alpha 1 subunit; minus strand). Cytogenetic location: 2q31.1.
Variant type: single nucleotide variant.
Coding change: c.150G>T on transcript NM_000079.4 (MANE Select); coding-DNA position 150, G replaced by T.
Protein change: p.Glu50Asp; replaces glutamic acid 50 with aspartic acid.
Molecular consequence: missense variant.
Genome position (GRCh38, 1-based): chr2:174,759,527, C>A on the plus strand (G>T on the coding strand, the complement: CHRNA1 is on the minus strand). VCF-style: chr2-174759527-C-A. GRCh37 (hg19) VCF-style: chr2-175624255-C-A.
Other names: c.150G>T, p.Glu50Asp (NM_001039523.3); short protein forms E50D.
Identifiers: ClinVar variation 1716427 (VCV001716427.5), dbSNP rs1672011896, ClinGen allele CA349344359.